The following is an entry in ClinVar:

NM_018055.5(NODAL):c.835G>A (p.Glu279Lys)

Gene: NODAL (nodal growth differentiation factor; minus strand). Cytogenetic location: 10q22.1.
Variant type: single nucleotide variant.
Coding change: c.835G>A on transcript NM_018055.5 (MANE Select); coding-DNA position 835, G replaced by A.
Protein change: p.Glu279Lys; replaces glutamic acid 279 with lysine.
Molecular consequence: missense variant.
Genome position (GRCh38, 1-based): chr10:70,435,342, C>T on the plus strand (G>A on the coding strand, the complement: NODAL is on the minus strand). VCF-style: chr10-70435342-C-T. GRCh37 (hg19) VCF-style: chr10-72195098-C-T.
Other names: c.436G>A, p.Glu146Lys (NM_001329906.2); c.835G>A (NM_018055.4); short protein forms E279K, E146K.
Identifiers: ClinVar variation 2173306 (VCV002173306.6), dbSNP rs755116310, ClinGen allele CA5537529.

ClinVar aggregate classification (germline): Uncertain significance. Review status: criteria provided, single submitter (1 of 4 stars). 2 submissions from 2 submitters: Uncertain significance (1). 1 of the submissions does not count toward it. Last evaluated 2022-04-10.

Conditions:
NODAL-related disorder. Also called: NODAL-related condition; NODAL-related disorders. Identifiers: MedGen CN239298.
Heterotaxy, visceral, 5, autosomal (HTX5). Also called: Heterotaxy, visceral, 5. Identifiers: Orphanet 450, MedGen C3495537, MONDO:0700112, OMIM 270100.

Allele frequency attached by ClinVar (database versions not stated): gnomAD 0.00003; ExAC 0.00004; gnomAD exomes 0.00004.
gnomAD v4.1: 60 of 1,613,916 alleles (0.0037%); highest among the groups gnomAD compares: Middle Eastern, 0.082%; no homozygotes.

Submissions (2):

Labcorp Genetics (formerly Invitae), Labcorp
Classification: Uncertain significance for Heterotaxy, visceral, 5, autosomal. Last evaluated: 2022-04-10. Review status: criteria provided, single submitter. Criteria: Invitae Variant Classification Sherloc (09022015). Collection method: clinical testing. Allele origin: germline.
Comment: In summary, the available evidence is currently insufficient to determine the role of this variant in disease. Therefore, it has been classified as a Variant of Uncertain Significance. Algorithms developed to predict the effect of missense changes on protein structure and function are either unavailable or do not agree on the potential impact of this missense change (SIFT: "Deleterious"; PolyPhen-2: "Possibly Damaging"; Align-GVGD: "Class C0"). This variant has not been reported in the literature in individuals affected with NODAL-related conditions. This variant is present in population databases (rs755116310, gnomAD 0.007%). This sequence change replaces glutamic acid, which is acidic and polar, with lysine, which is basic and polar, at codon 279 of the NODAL protein (p.Glu279Lys).

PreventionGenetics, part of Exact Sciences
Classification: Likely benign for NODAL-related condition. Last evaluated: 2024-02-26. Review status: no assertion criteria provided. Collection method: clinical testing. Allele origin: germline. Not counted in ClinVar's aggregate classification.
Comment: This variant is classified as likely benign based on ACMG/AMP sequence variant interpretation guidelines (Richards et al. 2015 PMID: 25741868, with internal and published modifications).